The following is an entry in ClinVar:

ClinVar aggregate classification (germline): Uncertain significance (1 of 4 stars; one submission).

Conditions:
Baller-Gerold syndrome (BGS). Also called: CRANIOSYNOSTOSIS WITH RADIAL DEFECTS. Identifiers: Orphanet 1225, MedGen C0265308, MONDO:0009039, OMIM 218600.

Submission:

Labcorp Genetics (formerly Invitae), Labcorp
Classification: Uncertain significance for Baller-Gerold syndrome. Last evaluated: 2021-09-16. Review status: criteria provided, single submitter. Criteria: Invitae Variant Classification Sherloc (09022015). Collection method: clinical testing. Allele origin: germline.
Comment: In summary, the available evidence is currently insufficient to determine the role of this variant in disease. Therefore, it has been classified as a Variant of Uncertain Significance. Experimental studies and prediction algorithms are not available or were not evaluated, and the functional significance of this variant is currently unknown. This variant has not been reported in the literature in individuals affected with RECQL4-related conditions. This variant is not present in population databases (ExAC no frequency). This sequence change replaces phenylalanine with leucine at codon 817 of the RECQL4 protein (p.Phe817Leu). The phenylalanine residue is highly conserved and there is a small physicochemical difference between phenylalanine and leucine.

NM_004260.4(RECQL4):c.2451C>A (p.Phe817Leu)

Gene: RECQL4 (RecQ like helicase 4; minus strand). Cytogenetic location: 8q24.3.
Variant type: single nucleotide variant.
Coding change: c.2451C>A on transcript NM_004260.4 (MANE Select); coding-DNA position 2451, C replaced by A.
Protein change: p.Phe817Leu; replaces phenylalanine 817 with leucine.
Molecular consequence: missense variant.
Genome position (GRCh38, 1-based): chr8:144,513,230, G>T on the plus strand (C>A on the coding strand, the complement: RECQL4 is on the minus strand). VCF-style: chr8-144513230-G-T. GRCh37 (hg19) VCF-style: chr8-145738613-G-T.
Other names: short protein forms F817L.
Identifiers: ClinVar variation 1519580 (VCV001519580.6), dbSNP rs778652987, ClinGen allele CA372677918.